The following is an entry in ClinVar:

NM_080669.6(SLC46A1):c.583G>A (p.Ala195Thr)

Gene: SLC46A1 (solute carrier family 46 member 1; minus strand). Cytogenetic location: 17q11.2.
Variant type: single nucleotide variant.
Coding change: c.583G>A on transcript NM_080669.6 (MANE Select); coding-DNA position 583, G replaced by A.
Protein change: p.Ala195Thr; replaces alanine 195 with threonine.
Molecular consequence: missense variant.
Genome position (GRCh38, 1-based): chr17:28,405,114, C>T on the plus strand (G>A on the coding strand, the complement: SLC46A1 is on the minus strand). VCF-style: chr17-28405114-C-T. GRCh37 (hg19) VCF-style: chr17-26732132-C-T.
Other names: c.583G>A, p.Ala195Thr (NM_001242366.3); short protein forms A195T.
Identifiers: ClinVar variation 1965895 (VCV001965895.5), dbSNP rs1555590727, ClinGen allele CA398350536.

ClinVar aggregate classification (germline): Uncertain significance (1 of 4 stars; one submission).

Allele frequency attached by ClinVar (database versions not stated): gnomAD exomes below 0.00001; TOPMed below 0.00001.
gnomAD v4.1: 3 of 1,613,406 alleles (0.00019%); highest among the groups gnomAD compares: Admixed American, 0.0017%; no homozygotes.

Submission:

Labcorp Genetics (formerly Invitae), Labcorp
Classification: Uncertain significance. Last evaluated: 2026-01-19. Review status: criteria provided, single submitter. Criteria: Invitae Variant Classification Sherloc (09022015). Collection method: clinical testing. Allele origin: germline.
Comment: This sequence change replaces alanine, which is neutral and non-polar, with threonine, which is neutral and polar, at codon 195 of the SLC46A1 protein (p.Ala195Thr). This variant is present in population databases (no rsID available, gnomAD 0.003%). This variant has not been reported in the literature in individuals affected with SLC46A1-related conditions. ClinVar contains an entry for this variant (Variation ID: 1965895). Invitae Evidence Modeling of protein sequence and biophysical properties (such as structural, functional, and spatial information, amino acid conservation, physicochemical variation, residue mobility, and thermodynamic stability) indicates that this missense variant is not expected to disrupt SLC46A1 protein function with a negative predictive value of 80%. In summary, the available evidence is currently insufficient to determine the role of this variant in disease. Therefore, it has been classified as a Variant of Uncertain Significance.